The following is an entry in ClinVar:

NM_003922.4(HERC1):c.4232G>T (p.Gly1411Val)

Gene: HERC1 (HECT and RLD domain containing E3 ubiquitin protein ligase family member 1; minus strand). Cytogenetic location: 15q22.31.
Variant type: single nucleotide variant.
Coding change: c.4232G>T on transcript NM_003922.4 (MANE Select); coding-DNA position 4232, G replaced by T.
Protein change: p.Gly1411Val; replaces glycine 1411 with valine.
Molecular consequence: missense variant.
Genome position (GRCh38, 1-based): chr15:63,713,584, C>A on the plus strand (G>T on the coding strand, the complement: HERC1 is on the minus strand). VCF-style: chr15-63713584-C-A. GRCh37 (hg19) VCF-style: chr15-64005783-C-A.
Other names: short protein forms G1411V.
Identifiers: ClinVar variation 710054 (VCV000710054.15), dbSNP rs36089909, ClinGen allele CA7605836.
Genomic context (GRCh38, chr15:63,713,584, plus strand): 5'-AGGTCTGTGCTGACCCTTCGCTCTTGCTGAGACTGAGGAGGTGGATCATCAGCTCGAGCC[C>A]CAGACCCTGCCCCACTGTTCATTCTATCTCGGTCTCGGCTACGAGCTACTTCACGGGCTG-3'
Protein context (NP_003913.3, residues 1401-1421): RDRMNSGAGS[Gly1411Val]ARADDPPPQS

ClinVar aggregate classification (germline): Benign/Likely benign. Review status: criteria provided, multiple submitters, no conflicts (2 of 4 stars). 3 submissions from 3 submitters: Benign (1); Likely benign (2). Last evaluated 2026-01-28.

Allele frequency attached by ClinVar (database versions not stated): gnomAD exomes 0.00050 and 0.00124; ExAC 0.00159; gnomAD 0.00476 and 0.00505; ESP Exome Variant Server 0.00539; TOPMed 0.00541; 1000 Genomes Project 0.00759; 1000 Genomes Project 30x 0.00812.
gnomAD v4.1: 1,478 of 1,613,796 alleles (0.092%); highest among the groups gnomAD compares: African/African-American, 1.7%; 12 homozygotes.

Submissions (3):

Labcorp Genetics (formerly Invitae), Labcorp
Classification: Benign. Last evaluated: 2026-01-28. Review status: criteria provided, single submitter. Criteria: Invitae Variant Classification Sherloc (09022015). Collection method: clinical testing. Allele origin: germline.

GeneDx
Classification: Likely benign. Last evaluated: 2023-11-07. Review status: criteria provided, single submitter. Criteria: GeneDx Variant Classification Process June 2021. Collection method: clinical testing. Allele origin: germline. Affected: yes.
Comment: See Variant Classification Assertion Criteria.

Breakthrough Genomics
Classification: Likely benign. Review status: criteria provided, single submitter. Criteria: ACMG Guidelines, 2015. Collection method: not provided. Allele origin: germline. Inheritance: Autosomal recessive inheritance. Affected: yes.